The following is an entry in ClinVar:

NM_020320.5(RARS2):c.1651-14_1651-10del

Gene: RARS2 (arginyl-tRNA synthetase 2, mitochondrial; minus strand). Cytogenetic location: 6q15.
Variant type: Deletion.
Coding change: c.1651-14_1651-10del on transcript NM_020320.5 (MANE Select); 14 bases into the intron before coding-DNA position 1651 through 10 bases into the intron before coding-DNA position 1651, 5 bases deleted (GATTT; older notation c.1651-14_1651-10delGATTT).
Molecular consequence: intron variant.
Genome position (GRCh38, 1-based): chr6:87,514,509-87,514,513, AAATC deleted on the plus strand (GATTT on the coding strand, the reverse complement: RARS2 is on the minus strand); deleting any 5 consecutive bases within chr6:87,514,509-87,514,516 gives the same sequence; the c. name uses the placement nearest the transcript's 3' end. VCF-style (leftmost placement, unchanged base first): chr6-87514508-TAAATC-T. GRCh37 (hg19) VCF-style: chr6-88224226-TAAATC-T.
Other names: c.1651-14_1651-10del (NM_001350505.2); c.1126-14_1126-10del (NM_001350509.2, NM_001318785.2, NM_001350506.2 and 4 more transcripts); c.1651-14_1651-10delGATTT (NM_020320.3).
Identifiers: ClinVar variation 508201 (VCV000508201.9), dbSNP rs763164942, ClinGen allele CA3916166.

ClinVar aggregate classification (germline): Likely benign. Review status: criteria provided, multiple submitters, no conflicts (2 of 4 stars). 2 submissions from 2 submitters: Likely benign (2). Last evaluated 2024-02-18.

Submissions (2):

Labcorp Genetics (formerly Invitae), Labcorp
Classification: Likely benign. Last evaluated: 2024-02-18. Review status: criteria provided, single submitter. Criteria: Invitae Variant Classification Sherloc (09022015). Collection method: clinical testing. Allele origin: germline.

GeneDx
Classification: Likely benign. Last evaluated: 2017-03-22. Review status: criteria provided, single submitter. Criteria: GeneDx Variant Classification (06012015). Collection method: clinical testing. Allele origin: germline. Affected: yes.
Comment: This variant is considered likely benign or benign based on one or more of the following criteria: it is a conservative change, it occurs at a poorly conserved position in the protein, it is predicted to be benign by multiple in silico algorithms, and/or has population frequency not consistent with disease.